The following is an entry in ClinVar:

ClinVar aggregate classification (germline): Likely benign. Review status: criteria provided, multiple submitters, no conflicts (2 of 4 stars). 3 submissions from 3 submitters: Likely benign (3). Last evaluated 2026-06-28.

Conditions:
OTOG-related disorder. Also called: OTOG-related condition.

Allele frequency attached by ClinVar (database versions not stated): gnomAD 0.00009 and 0.00014; gnomAD exomes 0.00017; ExAC 0.00024; TOPMed 0.00024; 1000 Genomes Project 30x 0.00094; 1000 Genomes Project 0.00100.
gnomAD v4.1: 157 of 1,550,478 alleles (0.01%); highest among the groups gnomAD compares: East Asian, 0.23%; 1 homozygote.

Submissions (3):

PreventionGenetics, part of Exact Sciences
Classification: Likely benign for OTOG-related condition. Last evaluated: 2026-06-28. Review status: criteria provided, single submitter. Criteria: ACMG Guidelines, 2015. Collection method: clinical testing. Allele origin: germline.
Comment: This variant is classified as likely benign based on ACMG/AMP sequence variant interpretation guidelines (Richards et al. 2015 PMID: 25741868, with internal and published modifications).

Labcorp Genetics (formerly Invitae), Labcorp
Classification: Likely benign. Last evaluated: 2025-10-08. Review status: criteria provided, single submitter. Criteria: Invitae Variant Classification Sherloc (09022015). Collection method: clinical testing. Allele origin: germline.

Laboratory for Molecular Medicine, Mass General Brigham Personalized Medicine
Classification: Likely benign. Last evaluated: 2014-11-24. Review status: criteria provided, single submitter. Criteria: LMM Criteria. Collection method: clinical testing. Allele origin: germline. Observed: 1 variant allele.
Comment: p.Thr1644Thr in exon 35 of OTOG: This variant is not expected to have clinical s ignificance because it does not alter an amino acid residue and is not located w ithin the splice consensus sequence. It has been identified in 4/7646 South Asia n chromosomes by the Exome Aggregation Consortium (ExAC; dbSNP rs143785785).

NM_001292063.2(OTOG):c.4896G>A (p.Thr1632=)

Gene: OTOG (otogelin; plus strand). Cytogenetic location: 11p15.1.
Variant type: single nucleotide variant.
Coding change: c.4896G>A on transcript NM_001292063.2 (MANE Select); coding-DNA position 4896, G replaced by A.
Protein change: p.Thr1632=; no amino-acid change (threonine 1632 retained).
Molecular consequence: synonymous variant.
Genome position (GRCh38, 1-based): chr11:17,610,196, G>A. VCF-style: chr11-17610196-G-A. GRCh37 (hg19) VCF-style: chr11-17631743-G-A.
Other names: c.4932G>A, p.Thr1644= (NM_001277269.2).
Identifiers: ClinVar variation 504785 (VCV000504785.14), dbSNP rs143785785, ClinGen allele CA5905875.